The following is an entry in ClinVar:

NM_152443.3(RDH12):c.203T>C (p.Ile68Thr)

Genes: GPHN (gephyrin; plus strand), RDH12 (retinol dehydrogenase 12; plus strand). Cytogenetic location: 14q24.1.
Variant type: single nucleotide variant.
Coding change: c.203T>C on transcript NM_152443.3 (MANE Select); coding-DNA position 203, T replaced by C.
Protein change: p.Ile68Thr; replaces isoleucine 68 with threonine.
Molecular consequence: missense variant.
Genome position (GRCh38, 1-based): chr14:67,725,114, T>C. VCF-style: chr14-67725114-T-C. GRCh37 (hg19) VCF-style: chr14-68191831-T-C.
Other names: short protein forms I68T.
Identifiers: ClinVar variation 840895 (VCV000840895.9), dbSNP rs2038169727, ClinGen allele CA390148509.

ClinVar aggregate classification (germline): Uncertain significance (1 of 4 stars; one submission).

Conditions:
Leber congenital amaurosis 13 (LCA13). Identifiers: MedGen C2675186, MONDO:0012990, OMIM 612712.

Allele frequency attached by ClinVar (database versions not stated): gnomAD exomes below 0.00001.
gnomAD v4.1: 1 of 1,614,192 alleles (0.000062%); highest among the groups gnomAD compares: African/African-American, 0.0013%; no homozygotes.

Submission:

Labcorp Genetics (formerly Invitae), Labcorp
Classification: Uncertain significance for Leber congenital amaurosis 13. Last evaluated: 2025-01-23. Review status: criteria provided, single submitter. Criteria: Invitae Variant Classification Sherloc (09022015). Collection method: clinical testing. Allele origin: germline.
Comment: This sequence change replaces isoleucine, which is neutral and non-polar, with threonine, which is neutral and polar, at codon 68 of the RDH12 protein (p.Ile68Thr). This variant is not present in population databases (gnomAD no frequency). This variant has not been reported in the literature in individuals affected with RDH12-related conditions. ClinVar contains an entry for this variant (Variation ID: 840895). Invitae Evidence Modeling of protein sequence and biophysical properties (such as structural, functional, and spatial information, amino acid conservation, physicochemical variation, residue mobility, and thermodynamic stability) indicates that this missense variant is not expected to disrupt RDH12 protein function with a negative predictive value of 80%. In summary, the available evidence is currently insufficient to determine the role of this variant in disease. Therefore, it has been classified as a Variant of Uncertain Significance.